The following is an entry in ClinVar:

ClinVar aggregate classification (germline): Uncertain significance. Review status: criteria provided, multiple submitters, no conflicts (2 of 4 stars). 3 submissions from 3 submitters: Uncertain significance (3). Last evaluated 2026-06-04.

Conditions:
Cardiovascular phenotype. Identifiers: MedGen CN230736.
MYPN-related disorder. Also called: MYPN-related condition.
Dilated cardiomyopathy 1KK (CMD1KK). Identifiers: Orphanet 154, Orphanet 75249, MedGen C3714995, MONDO:0014100, OMIM 615248.

Allele frequency attached by ClinVar (database versions not stated): gnomAD exomes below 0.00001 and 0.00001; ExAC 0.00001; gnomAD 0.00002; TOPMed 0.00003.
gnomAD v4.1: 4 of 1,614,022 alleles (0.00025%); highest among the groups gnomAD compares: African/African-American, 0.004%; no homozygotes.

Submissions (3):

PreventionGenetics, part of Exact Sciences
Classification: Uncertain significance for MYPN-related condition. Last evaluated: 2026-06-04. Review status: criteria provided, single submitter. Criteria: ACMG Guidelines, 2015. Collection method: clinical testing. Allele origin: germline.
Comment: The MYPN c.2695A>C variant is predicted to result in the amino acid substitution p.Asn899His. To our knowledge, this variant has not been reported in the literature. This variant is reported in 0.0062% of alleles in individuals of African descent in gnomAD. At this time, the clinical significance of this variant is uncertain due to the absence of conclusive functional and genetic evidence.

Ambry Genetics
Classification: Uncertain significance for Cardiovascular phenotype. Last evaluated: 2025-05-27. Review status: criteria provided, single submitter. Criteria: Ambry Variant Classification Scheme 2023. Collection method: clinical testing. Allele origin: germline.
Comment: The p.N899H variant (also known as c.2695A>C), located in coding exon 11 of the MYPN gene, results from an A to C substitution at nucleotide position 2695. The asparagine at codon 899 is replaced by histidine, an amino acid with similar properties. This amino acid position is not well conserved in available vertebrate species, and histidine is the reference amino acid in other vertebrate species. In addition, this alteration is predicted to be tolerated by in silico analysis. Since supporting evidence is limited at this time, the clinical significance of this alteration remains unclear.

Labcorp Genetics (formerly Invitae), Labcorp
Classification: Uncertain significance for Dilated cardiomyopathy 1KK. Last evaluated: 2022-07-06. Review status: criteria provided, single submitter. Criteria: Invitae Variant Classification Sherloc (09022015). Collection method: clinical testing. Allele origin: germline.
Comment: ClinVar contains an entry for this variant (Variation ID: 1393583). In summary, the available evidence is currently insufficient to determine the role of this variant in disease. Therefore, it has been classified as a Variant of Uncertain Significance. Algorithms developed to predict the effect of missense changes on protein structure and function output the following: SIFT: "Tolerated"; PolyPhen-2: "Benign"; Align-GVGD: "Class C0". The histidine amino acid residue is found in multiple mammalian species, which suggests that this missense change does not adversely affect protein function. This variant has not been reported in the literature in individuals affected with MYPN-related conditions. This variant is present in population databases (rs774900760, gnomAD 0.007%). This sequence change replaces asparagine, which is neutral and polar, with histidine, which is basic and polar, at codon 899 of the MYPN protein (p.Asn899His).

NM_032578.4(MYPN):c.2695A>C (p.Asn899His)

Gene: MYPN (myopalladin; plus strand). Cytogenetic location: 10q21.3.
Variant type: single nucleotide variant.
Coding change: c.2695A>C on transcript NM_032578.4 (MANE Select); coding-DNA position 2695, A replaced by C.
Protein change: p.Asn899His; replaces asparagine 899 with histidine.
Molecular consequence: missense variant. On other transcripts: non-coding transcript variant (1).
Genome position (GRCh38, 1-based): chr10:68,175,453, A>C. VCF-style: chr10-68175453-A-C. GRCh37 (hg19) VCF-style: chr10-69935210-A-C.
Other names: c.2695A>C, p.Asn899His (NM_001256267.2); c.1813A>C, p.Asn605His (NM_001256268.2); c.2695A>C (NM_032578.3); short protein forms N605H, N899H.
Identifiers: ClinVar variation 1393583 (VCV001393583.12), dbSNP rs774900760, ClinGen allele CA5522843.